The following is an entry in ClinVar:

NM_153240.5(NPHP3):c.3499C>T (p.Arg1167Cys)

Genes: NPHP3-ACAD11 (NPHP3-ACAD11 readthrough (NMD candidate); minus strand), NPHP3 (nephrocystin 3; minus strand). Cytogenetic location: 3q22.1.
Variant type: single nucleotide variant.
Coding change: c.3499C>T on transcript NM_153240.5 (MANE Select); coding-DNA position 3499, C replaced by T.
Protein change: p.Arg1167Cys; replaces arginine 1167 with cysteine.
Molecular consequence: missense variant. On other transcripts: non-coding transcript variant (1).
Genome position (GRCh38, 1-based): chr3:132,684,625, G>A on the plus strand (C>T on the coding strand, the complement: NPHP3 is on the minus strand). VCF-style: chr3-132684625-G-A. GRCh37 (hg19) VCF-style: chr3-132403469-G-A.
Other names: short protein forms R1167C.
Identifiers: ClinVar variation 580774 (VCV000580774.16), dbSNP rs201135796, ClinGen allele CA2621739.

ClinVar aggregate classification (germline): Uncertain significance. Review status: criteria provided, multiple submitters, no conflicts (2 of 4 stars). 8 submissions from 7 submitters: Uncertain significance (7). 1 of the submissions does not count toward it. Last evaluated 2024-12-10.

Conditions:
Meckel-Gruber syndrome. Also called: Dysencephalia splachnocystica; DYSENCEPHALIA SPLANCHNOCYSTICA; GRUBER SYNDROME. Identifiers: Orphanet 564, MedGen C0265215, MONDO:0018921.
Renal-hepatic-pancreatic dysplasia 1 (RHPD1). Identifiers: MedGen C3715199, MONDO:0008833, OMIM 208540.
Nephronophthisis. Also called: Juvenile Nephronophthisis. Identifiers: Orphanet 655, MedGen C0687120, MONDO:0019005, HP:0000090.
Renal dysplasia and retinal aplasia (SLSN). Also called: Senior-Loken syndrome. Identifiers: Orphanet 3156, MedGen C0403553, MONDO:0017842.
Joubert syndrome. Also called: Familial aplasia of the vermis; CEREBELLOPARENCHYMAL DISORDER IV; JOUBERT-BOLTSHAUSER SYNDROME. Identifiers: Orphanet 475, MedGen C5979921, MONDO:0018772.
NPHP3-related Meckel-like syndrome. Also called: Meckel syndrome type 7; GOLDSTON SYNDROME. Identifiers: Orphanet 3032, MedGen C2673885, MONDO:0009966, OMIM 267010.
Nephronophthisis 3 (NPHP3). Also called: Adolescent nephronophthisis. Identifiers: Orphanet 655, MedGen C1858392, MONDO:0011456, OMIM 604387.
NPHP3-related disorder. Also called: NPHP3-related condition; NPHP3-related disorders. Identifiers: MedGen CN379163.
Inborn genetic diseases. Identifiers: MedGen C0950123, MeSH D030342.

Allele frequency attached by ClinVar (database versions not stated): gnomAD 0.00001; gnomAD exomes 0.00001 and 0.00003; ExAC 0.00003; TOPMed 0.00004; 1000 Genomes Project 30x 0.00016; 1000 Genomes Project 0.00020.

Submissions (8):

Ambry Genetics
Classification: Uncertain significance for Inborn genetic diseases. Last evaluated: 2024-12-10. Review status: criteria provided, single submitter. Criteria: Ambry Variant Classification Scheme 2023. Collection method: clinical testing. Allele origin: germline.

Clinical Genomics Laboratory, Stanford Medicine
Classification: Uncertain significance for Juvenile Nephronophthisis; Meckel syndrome; Renal-hepatic-pancreatic dysplasia 1; Senior-Loken syndrome; Joubert syndrome. Last evaluated: 2022-09-09. Review status: criteria provided, single submitter. Criteria: ACMG Guidelines, 2015. Collection method: clinical testing. Allele origin: germline. Observed: 1 variant allele, 1 heterozygote.

Clinical Genomics Laboratory, Stanford Medicine
Classification: Uncertain significance for Nephronophthisis 3; NPHP3-related Meckel-like syndrome; Renal-hepatic-pancreatic dysplasia 1; Renal dysplasia and retinal aplasia; Joubert syndrome. Last evaluated: 2022-09-09. Review status: criteria provided, single submitter. Criteria: ACMG Guidelines, 2015. Collection method: clinical testing. Allele origin: germline. Observed: 1 variant allele, 1 heterozygote.

Labcorp Genetics (formerly Invitae), Labcorp
Classification: Uncertain significance for Nephronophthisis. Last evaluated: 2022-09-07. Review status: criteria provided, single submitter. Criteria: Invitae Variant Classification Sherloc (09022015). Collection method: clinical testing. Allele origin: germline.
Comment: This sequence change replaces arginine, which is basic and polar, with cysteine, which is neutral and slightly polar, at codon 1167 of the NPHP3 protein (p.Arg1167Cys). This variant is present in population databases (rs201135796, gnomAD 0.008%). This variant has not been reported in the literature in individuals affected with NPHP3-related conditions. ClinVar contains an entry for this variant (Variation ID: 580774). Algorithms developed to predict the effect of missense changes on protein structure and function are either unavailable or do not agree on the potential impact of this missense change (SIFT: "Deleterious"; PolyPhen-2: "Possibly Damaging"; Align-GVGD: "Class C0"). In summary, the available evidence is currently insufficient to determine the role of this variant in disease. Therefore, it has been classified as a Variant of Uncertain Significance.

Fulgent Genetics
Classification: Uncertain significance for Renal-hepatic-pancreatic dysplasia 1; NPHP3-related Meckel-like syndrome; Nephronophthisis 3. Last evaluated: 2022-03-16. Review status: criteria provided, single submitter. Criteria: ACMG Guidelines, 2015. Collection method: clinical testing. Allele origin: unknown.

GeneDx
Classification: Uncertain significance. Last evaluated: 2020-02-10. Review status: criteria provided, single submitter. Criteria: GeneDx Variant Classification Process June 2021. Collection method: clinical testing. Allele origin: germline. Affected: yes.
Comment: Not observed at a significant frequency in large population cohorts (Lek et al., 2016); In silico analysis supports that this missense variant has a deleterious effect on protein structure/function; Has not been previously published as pathogenic or benign to our knowledge

Eurofins Ntd Llc (ga)
Classification: Uncertain significance. Last evaluated: 2018-03-15. Review status: criteria provided, single submitter. Criteria: EGL ClinVar v180209 classification definitions. Collection method: clinical testing. Allele origin: germline. Observed: 3 variant alleles, 3 heterozygotes.

PreventionGenetics, part of Exact Sciences
Classification: Uncertain significance for NPHP3-related condition. Last evaluated: 2024-07-22. Review status: no assertion criteria provided. Collection method: clinical testing. Allele origin: germline. Not counted in ClinVar's aggregate classification.
Comment: The NPHP3 c.3499C>T variant is predicted to result in the amino acid substitution p.Arg1167Cys. To our knowledge, this variant has not been reported in the literature. This variant is reported in 0.0080% of alleles in individuals of African descent in gnomAD. At this time, the clinical significance of this variant is uncertain due to the absence of conclusive functional and genetic evidence.